The following is an entry in ClinVar:

NM_018127.7(ELAC2):c.1400C>T (p.Ala467Val)

Gene: ELAC2 (elaC ribonuclease Z 2; minus strand). Cytogenetic location: 17p12.
Variant type: single nucleotide variant.
Coding change: c.1400C>T on transcript NM_018127.7 (MANE Select); coding-DNA position 1400, C replaced by T.
Protein change: p.Ala467Val; replaces alanine 467 with valine.
Molecular consequence: missense variant.
Genome position (GRCh38, 1-based): chr17:13,000,179, G>A on the plus strand (C>T on the coding strand, the complement: ELAC2 is on the minus strand). VCF-style: chr17-13000179-G-A. GRCh37 (hg19) VCF-style: chr17-12903496-G-A.
Other names: c.1280C>T, p.Ala427Val (NM_001165962.2); c.1397C>T, p.Ala466Val (NM_173717.2); short protein forms A467V, A427V, A466V.
Identifiers: ClinVar variation 1429024 (VCV001429024.5), dbSNP rs749460308, ClinGen allele CA8401225.

ClinVar aggregate classification (germline): Uncertain significance (1 of 4 stars; one submission).

Conditions:
Combined oxidative phosphorylation defect type 17. Also called: Combined oxidative phosphorylation deficiency 17. Identifiers: Orphanet 369913, MedGen C3809526, MONDO:0014190, OMIM 615440.

Allele frequency attached by ClinVar (database versions not stated): gnomAD 0.00001; TOPMed 0.00002.
gnomAD v4.1: 7 of 1,613,712 alleles (0.00043%); highest among the groups gnomAD compares: African/African-American, 0.004%; no homozygotes.

Submission:

Labcorp Genetics (formerly Invitae), Labcorp
Classification: Uncertain significance for Combined oxidative phosphorylation defect type 17. Last evaluated: 2024-11-27. Review status: criteria provided, single submitter. Criteria: Invitae Variant Classification Sherloc (09022015). Collection method: clinical testing. Allele origin: germline.
Comment: This sequence change replaces alanine, which is neutral and non-polar, with valine, which is neutral and non-polar, at codon 467 of the ELAC2 protein (p.Ala467Val). This variant is present in population databases (rs749460308, gnomAD 0.006%). This variant has not been reported in the literature in individuals affected with ELAC2-related conditions. ClinVar contains an entry for this variant (Variation ID: 1429024). Invitae Evidence Modeling of protein sequence and biophysical properties (such as structural, functional, and spatial information, amino acid conservation, physicochemical variation, residue mobility, and thermodynamic stability) indicates that this missense variant is not expected to disrupt ELAC2 protein function with a negative predictive value of 80%. In summary, the available evidence is currently insufficient to determine the role of this variant in disease. Therefore, it has been classified as a Variant of Uncertain Significance.